The following is an entry in ClinVar:

NM_003322.6(TULP1):c.1568G>A (p.Cys523Tyr)

Gene: TULP1 (TUB like protein 1; minus strand). Cytogenetic location: 6p21.31.
Variant type: single nucleotide variant.
Coding change: c.1568G>A on transcript NM_003322.6 (MANE Select); coding-DNA position 1568, G replaced by A.
Protein change: p.Cys523Tyr; replaces cysteine 523 with tyrosine.
Molecular consequence: missense variant.
Genome position (GRCh38, 1-based): chr6:35,498,388, C>T on the plus strand (G>A on the coding strand, the complement: TULP1 is on the minus strand). VCF-style: chr6-35498388-C-T. GRCh37 (hg19) VCF-style: chr6-35466165-C-T.
Other names: c.1409G>A, p.Cys470Tyr (NM_001289395.2); c.1568G>A (NM_003322.3); short protein forms C470Y, C523Y.
Identifiers: ClinVar variation 2125511 (VCV002125511.7), dbSNP rs1213597486, ClinGen allele CA363778251.
Genomic context (GRCh38, chr6:35,498,388, plus strand): 5'-CACTCGCAGGCCAGCTTCCCGTCGAAACTGGAGAGGGCGATGGCGAAGGCCTGCAGGGCG[C>T]ACAGCGGGTACCGGTAGTCTAGGGTGAAGGCGTCCTCCGCCACGCGGCCGAACTGCAGCA-3'
Protein context (NP_003313.3, residues 513-533): AFTLDYRYPL[Cys523Tyr]ALQAFAIALS

ClinVar aggregate classification (germline): Conflicting classifications of pathogenicity. Review status: criteria provided, conflicting classifications (1 of 4 stars). 4 submissions from 4 submitters: Likely pathogenic (1); Uncertain significance (3). Last evaluated 2025-05-01.

Conditions:
TULP1-related disorder. Also called: TULP1-related condition; TULP1-related disorders.

Allele frequency attached by ClinVar (database versions not stated): gnomAD exomes below 0.00001; TOPMed below 0.00001.

Submissions (4):

Women's Health and Genetics/Laboratory Corporation of America, LabCorp
Classification: Uncertain significance. Last evaluated: 2025-05-01. Review status: criteria provided, single submitter. Criteria: LabCorp Variant Classification Summary - May 2015. Collection method: clinical testing. Allele origin: germline.
Comment: Variant summary: TULP1 c.1568G>A (p.Cys523Tyr) results in a non-conservative amino acid change located in the tubby domain (IPR000007) of the encoded protein sequence. Five of five in-silico tools predict a damaging effect of the variant on protein function. The variant allele was found at a frequency of 6.2e-07 in 1606908 control chromosomes (gnomAD). The available data on variant occurrences in the general population are insufficient to allow any conclusion about variant significance. c.1568G>A has been observed in an individual affected with retinal dystrophy (Al-Hindi_2022), who also carried a second pathogenic variant (phase was not tested). In addition, the variant was reported in heterozygous state (i.e. without a second variant identified) in a genome sequencing study, in a patient affected with retinal degeneration (Weisschuh_2024). These data do not allow clear conclusions about variant significance. To our knowledge, no experimental evidence demonstrating an impact on protein function has been reported. The following publications have been ascertained in the context of this evaluation (PMID: 34865612, 37734845). ClinVar contains an entry for this variant (Variation ID: 2125511). Based on the evidence outlined above, the variant was classified as uncertain significance.

Labcorp Genetics (formerly Invitae), Labcorp
Classification: Uncertain significance. Last evaluated: 2025-01-06. Review status: criteria provided, single submitter. Criteria: Invitae Variant Classification Sherloc (09022015). Collection method: clinical testing. Allele origin: germline.
Comment: This sequence change replaces cysteine, which is neutral and slightly polar, with tyrosine, which is neutral and polar, at codon 523 of the TULP1 protein (p.Cys523Tyr). This variant is not present in population databases (gnomAD no frequency). This missense change has been observed in individual(s) with clinical features of TULP1-related conditions (PMID: 34865612). ClinVar contains an entry for this variant (Variation ID: 2125511). Invitae Evidence Modeling of protein sequence and biophysical properties (such as structural, functional, and spatial information, amino acid conservation, physicochemical variation, residue mobility, and thermodynamic stability) indicates that this missense variant is expected to disrupt TULP1 protein function with a positive predictive value of 95%. In summary, the available evidence is currently insufficient to determine the role of this variant in disease. Therefore, it has been classified as a Variant of Uncertain Significance.

GeneDx
Classification: Uncertain significance. Last evaluated: 2023-11-09. Review status: criteria provided, single submitter. Criteria: GeneDx Variant Classification Process June 2021. Collection method: clinical testing. Allele origin: germline. Affected: yes.
Comment: Not observed at significant frequency in large population cohorts (gnomAD); In silico analysis supports that this missense variant has a deleterious effect on protein structure/function; This variant is associated with the following publications: (PMID: 34865612)

Blueprint Genetics
Classification: Likely pathogenic for TULP1-related disorders. Last evaluated: 2022-11-09. Review status: criteria provided, single submitter. Criteria: ACMG Guidelines, 2015. Collection method: clinical testing. Allele origin: germline. Affected: yes. Observed: 1 variant allele.

Literature cited by the submitters: PubMed 37734845 (cited by Women's Health and Genetics/Laboratory Corporation of America, LabCorp); PubMed 34865612 (cited by Women's Health and Genetics/Laboratory Corporation of America, LabCorp and Labcorp Genetics (formerly Invitae), Labcorp).